The following is an entry in ClinVar:

ClinVar aggregate classification (germline): Benign/Likely benign. Review status: criteria provided, multiple submitters, no conflicts (2 of 4 stars). 4 submissions from 3 submitters: Benign (3); Likely benign (1). Last evaluated 2021-08-31.

Conditions:
Hyperparathyroidism. Identifiers: MedGen C0020502, MONDO:0001741, HP:0000843.
Multiple endocrine neoplasia, type 1 (MEN1). Also called: MEA I; MEN I; WERMER SYNDROME; Endocrine adenomatosis multiple; MEN 1. Identifiers: Orphanet 652, MedGen C0025267, MeSH D018761, MONDO:0007540, OMIM 131100.

Allele frequency attached by ClinVar (database versions not stated): gnomAD exomes 0.00203; 1000 Genomes Project 0.01258; 1000 Genomes Project 30x 0.01327; gnomAD 0.01490 and 0.01607; TOPMed 0.01644.

Submissions (4):

Fulgent Genetics
Classification: Benign for Multiple endocrine neoplasia, type 1. Last evaluated: 2021-08-31. Review status: criteria provided, single submitter. Criteria: ACMG Guidelines, 2015. Collection method: clinical testing. Allele origin: unknown.

GeneDx
Classification: Benign. Last evaluated: 2019-04-24. Review status: criteria provided, single submitter. Criteria: GeneDx Variant Classification Process June 2021. Collection method: clinical testing. Allele origin: germline. Affected: yes.

Illumina Laboratory Services, Illumina
Classification: Likely benign for Hyperparathyroidism. Last evaluated: 2018-01-13. Review status: criteria provided, single submitter. Criteria: ICSL Variant Classification Criteria 13 December 2019. Collection method: clinical testing. Allele origin: germline.
Comment: This variant was observed in the ICSL laboratory as part of a predisposition screen in an ostensibly healthy population. It had not been previously curated by ICSL or reported in the Human Gene Mutation Database (HGMD: prior to June 1st, 2018), and was therefore a candidate for classification through an automated scoring system. Utilizing variant allele frequency, disease prevalence and penetrance estimates, and inheritance mode, an automated score was calculated to assess if this variant is too frequent to cause the disease. Based on the score and internal cut-off values, a variant classified as likely benign is not then subjected to further curation. The score for this variant resulted in a classification of likely benign for this disease.

Illumina Laboratory Services, Illumina
Classification: Benign for Multiple endocrine neoplasia, type 1. Last evaluated: 2018-01-13. Review status: criteria provided, single submitter. Criteria: ICSL Variant Classification Criteria 13 December 2019. Collection method: clinical testing. Allele origin: germline.
Comment: This variant was observed in the ICSL laboratory as part of a predisposition screen in an ostensibly healthy population. It had not been previously curated by ICSL or reported in the Human Gene Mutation Database (HGMD: prior to June 1st, 2018), and was therefore a candidate for classification through an automated scoring system. Utilizing variant allele frequency, disease prevalence and penetrance estimates, and inheritance mode, an automated score was calculated to assess if this variant is too frequent to cause the disease. Based on the score and internal cut-off values, a variant classified as benign is not then subjected to further curation. The score for this variant resulted in a classification of benign for this disease.

NM_001370259.2(MEN1):c.*302C>T

Gene: MEN1 (menin 1; minus strand). Cytogenetic location: 11q13.1.
Variant type: single nucleotide variant.
Coding change: c.*302C>T on transcript NM_001370259.2 (MANE Select); 302 bases downstream of the stop codon, C replaced by T.
Molecular consequence: 3 prime UTR variant.
Genome position (GRCh38, 1-based): chr11:64,804,032, G>A on the plus strand (C>T on the coding strand, the complement: MEN1 is on the minus strand). VCF-style: chr11-64804032-G-A. GRCh37 (hg19) VCF-style: chr11-64571504-G-A.
Other names: c.*302C>T (NM_000244.4, NM_001370251.2, NM_001370260.2 and 9 more transcripts).
Identifiers: ClinVar variation 305308 (VCV000305308.10), dbSNP rs1804849, ClinGen allele CA10631163.